The following is an entry in ClinVar:

NM_032977.4(CASP10):c.989del (p.Val330fs)

Gene: CASP10 (caspase 10; plus strand). Cytogenetic location: 2q33.1.
Variant type: Deletion.
Coding change: c.989del on transcript NM_032977.4 (MANE Select); coding-DNA position 989, one base deleted (T; older notation c.989delT).
Protein change: p.Val330fs; shifts the reading frame from valine 330.
Molecular consequence: frameshift variant. On other transcripts: 3 prime UTR variant (1).
Genome position (GRCh38, 1-based): chr2:201,209,136, T deleted. VCF-style (leftmost placement, unchanged base first): chr2-201209135-GT-G. GRCh37 (hg19) VCF-style: chr2-202073858-GT-G.
Other names: c.788del, p.Val263fs (NM_001206524.2); c.860del, p.Val287fs (NM_001206542.2, NM_001230.5); c.989del, p.Val330fs (NM_032974.5); c.*75del (NM_032976.4); short protein forms V330fs, V287fs, V263fs.
Identifiers: ClinVar variation 1348693 (VCV001348693.6), dbSNP rs2126047727, ClinGen allele CA2573134331.
Genomic context (GRCh38, chr2:201,209,135, plus strand): 5'-CTGAGTCATGTGTTCCAGTGGCTTGGGTTCACAGTGCATATACACAATAATGTGACGAAA[GT>G]GGAAATGGAGATGGTCCTGCAGAAGCAGAAGTGCAATCCAGCCCATGCCGACGGGGACTG-3'

ClinVar aggregate classification (germline): Uncertain significance (1 of 4 stars; one submission).

Conditions:
Autoimmune lymphoproliferative syndrome type 2A (ALPS2A). Also called: AUTOIMMUNE LYMPHOPROLIFERATIVE SYNDROME, TYPE IIA; Autoimmune lymphoproliferative syndrome type 2; CASP10-Related Autoimmune Lymphoproliferative Syndrome. Identifiers: Orphanet 3261, MedGen C1858968, MONDO:0011383, OMIM 603909.

Submission:

Labcorp Genetics (formerly Invitae), Labcorp
Classification: Uncertain significance for Autoimmune lymphoproliferative syndrome type 2A. Last evaluated: 2022-06-27. Review status: criteria provided, single submitter. Criteria: Invitae Variant Classification Sherloc (09022015). Collection method: clinical testing. Allele origin: germline.
Comment: This sequence change creates a premature translational stop signal (p.Val330Glyfs*27) in the CASP10 gene. It is expected to result in an absent or disrupted protein product. However, the current clinical and genetic evidence is not sufficient to establish whether loss-of-function variants in CASP10 cause disease. This variant is not present in population databases (gnomAD no frequency). This variant has not been reported in the literature in individuals affected with CASP10-related conditions. In summary, the available evidence is currently insufficient to determine the role of this variant in disease. Therefore, it has been classified as a Variant of Uncertain Significance.